The following is an entry in ClinVar:

ClinVar aggregate classification (germline): Uncertain significance (1 of 4 stars; one submission).

Conditions:
Nephronophthisis 14 (NPHP14). Identifiers: Orphanet 2318, MedGen C3539071, MONDO:0013916, OMIM 614844.

Allele frequency attached by ClinVar (database versions not stated): ExAC 0.00001; gnomAD 0.00001; gnomAD exomes 0.00001; ESP Exome Variant Server 0.00008.
gnomAD v4.1: 5 of 1,612,444 alleles (0.00031%); highest among the groups gnomAD compares: Non-Finnish European, 0.00034%; no homozygotes.

Submission:

Labcorp Genetics (formerly Invitae), Labcorp
Classification: Uncertain significance for Nephronophthisis 14. Last evaluated: 2024-09-16. Review status: criteria provided, single submitter. Criteria: Invitae Variant Classification Sherloc (09022015). Collection method: clinical testing. Allele origin: germline.
Comment: This sequence change replaces serine, which is neutral and polar, with leucine, which is neutral and non-polar, at codon 15 of the ZNF423 protein (p.Ser15Leu). This variant is present in population databases (rs377503772, gnomAD 0.0009%). This variant has not been reported in the literature in individuals affected with ZNF423-related conditions. ClinVar contains an entry for this variant (Variation ID: 1364744). An algorithm developed to predict the effect of missense changes on protein structure and function (PolyPhen-2) suggests that this variant is likely to be tolerated. In summary, the available evidence is currently insufficient to determine the role of this variant in disease. Therefore, it has been classified as a Variant of Uncertain Significance.

NM_001379286.1(ZNF423):c.68C>T (p.Ser23Leu)

Gene: ZNF423 (zinc finger protein 423; minus strand). Cytogenetic location: 16q12.1.
Variant type: single nucleotide variant.
Coding change: c.68C>T on transcript NM_001379286.1 (MANE Select); coding-DNA position 68, C replaced by T.
Protein change: p.Ser23Leu; replaces serine 23 with leucine.
Molecular consequence: missense variant. On other transcripts: 5 prime UTR variant (1).
Genome position (GRCh38, 1-based): chr16:49,789,519, G>A on the plus strand (C>T on the coding strand, the complement: ZNF423 is on the minus strand). VCF-style: chr16-49789519-G-A. GRCh37 (hg19) VCF-style: chr16-49823430-G-A.
Other names: c.-137C>T (NM_001271620.2); c.44C>T, p.Ser15Leu (NM_015069.5); short protein forms S15L, S23L.
Identifiers: ClinVar variation 1364744 (VCV001364744.6), dbSNP rs377503772, ClinGen allele CA8046982.